The following is an entry in ClinVar:

NM_001353694.2(TIAM1):c.3041C>T (p.Pro1014Leu)

Gene: TIAM1 (TIAM Rac1 associated GEF 1; minus strand). Cytogenetic location: 21q22.11.
Variant type: single nucleotide variant.
Coding change: c.3041C>T on transcript NM_001353694.2 (MANE Select); coding-DNA position 3041, C replaced by T.
Protein change: p.Pro1014Leu; replaces proline 1014 with leucine.
Molecular consequence: missense variant. On other transcripts: intron variant (2).
Genome position (GRCh38, 1-based): chr21:31,154,377, G>A on the plus strand (C>T on the coding strand, the complement: TIAM1 is on the minus strand). VCF-style: chr21-31154377-G-A. GRCh37 (hg19) VCF-style: chr21-32526695-G-A.
Other names: c.140C>T, p.Pro47Leu (NM_001353684.2); c.2966C>T, p.Pro989Leu (NM_001353687.2); c.3041C>T, p.Pro1014Leu (NM_001353688.1, NM_001353689.1, NM_001353690.1 and 4 more transcripts); c.2992-26C>T (NM_001353686.2); c.91-26C>T (NM_001353685.2); short protein forms P1014L, P47L, P989L.
Identifiers: ClinVar variation 3363766 (VCV003363766.2).

ClinVar aggregate classification (germline): Uncertain significance (1 of 4 stars; one submission).

gnomAD v4.1: 25 of 1,614,008 alleles (0.0015%); highest among the groups gnomAD compares: African/African-American, 0.028%; no homozygotes.

Submission:

GeneDx
Classification: Uncertain significance. Last evaluated: 2025-10-14. Review status: criteria provided, single submitter. Criteria: GeneDx Variant Classification Process June 2021. Collection method: clinical testing. Allele origin: germline.
Comment: In silico analysis supports that this missense variant does not alter protein structure/function; Has not been previously published as pathogenic or benign to our knowledge